The following is an entry in ClinVar:

ClinVar aggregate classification (germline): Benign/Likely benign. Review status: criteria provided, multiple submitters, no conflicts (2 of 4 stars). 4 submissions from 4 submitters: Benign (1); Likely benign (3). Last evaluated 2022-12-01.

Conditions:
POLD1-related polyposis and colorectal cancer syndrome (CRCS10). Also called: Colorectal cancer 10; Colorectal cancer, susceptibility to, 10; COLORECTAL CANCER, SUSCEPTIBILITY TO, ON CHROMOSOME 19q. Identifiers: Orphanet 220460, MedGen C2675481, MONDO:0012953, OMIM 612591.

Allele frequency attached by ClinVar (database versions not stated): gnomAD 0.00373 and 0.00364; TOPMed 0.00430; 1000 Genomes Project 0.00280; 1000 Genomes Project 30x 0.00281; gnomAD exomes 0.01938.
gnomAD v4.1: 577 of 152,616 alleles (0.38%); highest among the groups gnomAD compares: Middle Eastern, 1%; 5 homozygotes.

Submissions (4):

CeGaT Center for Human Genetics Tuebingen
Classification: Benign. Last evaluated: 2022-12-01. Review status: criteria provided, single submitter. Criteria: CeGaT Center For Human Genetics Tuebingen Variant Classification Criteria Version 2. Collection method: clinical testing. Allele origin: germline. Affected: yes. Observed: 2 variant alleles.
Comment: POLD1: BS1, BS2

Mendelics
Classification: Likely benign for POLD1-related polyposis and colorectal cancer syndrome. Last evaluated: 2019-05-28. Review status: criteria provided, single submitter. Criteria: Mendelics Assertion Criteria 2017. Collection method: clinical testing. Allele origin: unknown.

GeneDx
Classification: Likely benign. Last evaluated: 2017-11-28. Review status: criteria provided, single submitter. Criteria: GeneDx Variant Classification (06012015). Collection method: clinical testing. Allele origin: germline. Affected: yes.
Comment: This variant is considered likely benign or benign based on one or more of the following criteria: it is a conservative change, it occurs at a poorly conserved position in the protein, it is predicted to be benign by multiple in silico algorithms, and/or has population frequency not consistent with disease.

Breakthrough Genomics
Classification: Likely benign. Review status: criteria provided, single submitter. Criteria: ACMG Guidelines, 2015. Collection method: not provided. Allele origin: germline. Inheritance: Autosomal dominant inheritance. Affected: yes.

NM_001256849.1(POLD1):c.-51G>A

Genes: POLD1 (DNA polymerase delta 1, catalytic subunit; plus strand), LOC130064984 (ATAC-STARR-seq lymphoblastoid silent region 10961; plus strand). Cytogenetic location: 19q13.33.
Variant type: single nucleotide variant.
Coding change: c.-51G>A on transcript NM_001256849.1; 51 bases upstream of the start codon, G replaced by A.
Molecular consequence: 5 prime UTR variant.
Genome position (GRCh38, 1-based): chr19:50,384,344, G>A. VCF-style: chr19-50384344-G-A. GRCh37 (hg19) VCF-style: chr19-50887601-G-A.
Identifiers: ClinVar variation 380428 (VCV000380428.30), dbSNP rs576035899, ClinGen allele CA16607891.